The following is an entry in ClinVar:

NM_015215.4(CAMTA1):c.2638del (p.Trp880fs)

Gene: CAMTA1 (calmodulin binding transcription activator 1; plus strand). Cytogenetic location: 1p36.23.
Variant type: Deletion.
Coding change: c.2638del on transcript NM_015215.4 (MANE Select); coding-DNA position 2638, one base deleted (T; older notation c.2638delT).
Protein change: p.Trp880fs; shifts the reading frame from tryptophan 880.
Molecular consequence: frameshift variant.
Genome position (GRCh38, 1-based): chr1:7,665,185, T deleted. VCF-style (leftmost placement, unchanged base first): chr1-7665184-GT-G. GRCh37 (hg19) VCF-style: chr1-7725244-GT-G.
Other names: c.2548del, p.Trp850fs (NM_001349608.2, NM_001349612.2); c.2638del, p.Trp880fs (NM_001349609.2, NM_001349610.2, NM_001410737.1); c.2566del, p.Trp856fs (NM_001410738.1); short protein forms W850fs, W880fs, W856fs.
Identifiers: ClinVar variation 2831073 (VCV002831073.3), dbSNP rs2523757441, ClinGen allele CA2739272239.
Genomic context (GRCh38, chr1:7,665,184, plus strand): 5'-CACCCTAGGCATGCTGCAGCAGAGCGGACGGGTGTTCATGGTGACCGACTACTCCCCAGA[GT>G]GGTCTTACCCAGAGGTAAGCTGCCGCCGCTGCCACCACCTGTCACCTCCCCTCCCACCCA-3'

ClinVar aggregate classification (germline): Pathogenic (1 of 4 stars; one submission).

Submission:

Labcorp Genetics (formerly Invitae), Labcorp
Classification: Pathogenic. Last evaluated: 2023-01-28. Review status: criteria provided, single submitter. Criteria: Invitae Variant Classification Sherloc (09022015). Collection method: clinical testing. Allele origin: germline.
Comment: For these reasons, this variant has been classified as Pathogenic. This variant has not been reported in the literature in individuals affected with CAMTA1-related conditions. This variant is not present in population databases (gnomAD no frequency). This sequence change creates a premature translational stop signal (p.Trp880Glyfs*8) in the CAMTA1 gene. It is expected to result in an absent or disrupted protein product. Loss-of-function variants in CAMTA1 are known to be pathogenic (PMID: 22693284).

Literature cited by the submitters: PubMed 22693284.